The following is an entry in ClinVar:

ClinVar aggregate classification (germline): Likely pathogenic (1 of 4 stars; one submission).

Conditions:
Dermatitis, atopic, 2. Identifiers: MedGen C1853965, MONDO:0011596, OMIM 605803.
Ichthyosis vulgaris. Also called: Dominant ichthyosis vulgaris; ICHTHYOSIS SIMPLEX. Identifiers: MedGen C0079584, MONDO:0024304, OMIM 146700.

Submission:

Juno Genomics, Hangzhou Juno Genomics, Inc
Classification: Likely pathogenic for Ichthyosis vulgaris; Dermatitis, atopic, 2. Review status: criteria provided, single submitter. Criteria: ACMG Guidelines, 2015. Collection method: clinical testing. Allele origin: germline. Affected: yes.
Comment: Null variant in a gene where loss of function (LOF) is a known mechanism of disease.;Absent from controls (or at extremely low frequency if recessive) in Genome Aggregation Database, Exome Sequencing Project, 1000 Genomes Project, or Exome Aggregation Consortium.;Patient's phenotype or family history is highly specific for a disease with a single genetic etiology.

NM_002016.2(FLG):c.5198_5201del (p.Ser1733fs)

Genes: FLG (filaggrin; minus strand), CCDST (cervical cancer associated DHX9 suppressive transcript; plus strand). Cytogenetic location: 1q21.3.
Variant type: Microsatellite.
Coding change: c.5198_5201del on transcript NM_002016.2 (MANE Select); coding-DNA positions 5198 to 5201, 4 bases deleted (CAGT; older notation c.5198_5201delCAGT).
Protein change: p.Ser1733fs; shifts the reading frame from serine 1733.
Molecular consequence: frameshift variant.
Genome position (GRCh38, 1-based): chr1:152,309,685-152,309,688, ACTG deleted on the plus strand (CAGT on the coding strand, the reverse complement: FLG is on the minus strand); deleting any 4 consecutive bases within chr1:152,309,685-152,309,692 gives the same sequence; the c. name uses the placement nearest the transcript's 3' end. VCF-style (leftmost placement, unchanged base first): chr1-152309684-CACTG-C. GRCh37 (hg19) VCF-style: chr1-152282160-CACTG-C.
Other names: short protein forms S1733fs.
Identifiers: ClinVar variation 3382638 (VCV003382638.2).